The following is an entry in ClinVar:

ClinVar aggregate classification (germline): Uncertain significance (1 of 4 stars; one submission).

Conditions:
DK1-congenital disorder of glycosylation. Also called: DK1 DEFICIENCY; DOLICHOL KINASE DEFICIENCY; DOLK-congenital disorder of glycosylation; Carbohydrate deficient glycoprotein syndrome type 1m; DK1-CDG; CONGENITAL DISORDER OF GLYCOSYLATION, TYPE Im. Identifiers: Orphanet 91131, MedGen C1835849, MONDO:0012556, OMIM 610768.

Submission:

Labcorp Genetics (formerly Invitae), Labcorp
Classification: Uncertain significance for DK1-congenital disorder of glycosylation. Last evaluated: 2022-09-12. Review status: criteria provided, single submitter. Criteria: Invitae Variant Classification Sherloc (09022015). Collection method: clinical testing. Allele origin: germline.
Comment: In summary, the available evidence is currently insufficient to determine the role of this variant in disease. Therefore, it has been classified as a Variant of Uncertain Significance. Advanced modeling of protein sequence and biophysical properties (such as structural, functional, and spatial information, amino acid conservation, physicochemical variation, residue mobility, and thermodynamic stability) performed at Invitae indicates that this missense variant is expected to disrupt DOLK protein function. ClinVar contains an entry for this variant (Variation ID: 1369268). This variant has not been reported in the literature in individuals affected with DOLK-related conditions. This variant is not present in population databases (gnomAD no frequency). This sequence change replaces arginine, which is basic and polar, with cysteine, which is neutral and slightly polar, at codon 109 of the DOLK protein (p.Arg109Cys).

NM_014908.4(DOLK):c.325C>T (p.Arg109Cys)

Gene: DOLK (dolichol kinase; minus strand). Cytogenetic location: 9q34.11.
Variant type: single nucleotide variant.
Coding change: c.325C>T on transcript NM_014908.4 (MANE Select); coding-DNA position 325, C replaced by T.
Protein change: p.Arg109Cys; replaces arginine 109 with cysteine.
Molecular consequence: missense variant.
Genome position (GRCh38, 1-based): chr9:128,946,979, G>A on the plus strand (C>T on the coding strand, the complement: DOLK is on the minus strand). VCF-style: chr9-128946979-G-A. GRCh37 (hg19) VCF-style: chr9-131709258-G-A.
Other names: short protein forms R109C.
Identifiers: ClinVar variation 1369268 (VCV001369268.8), dbSNP rs755188614, ClinGen allele CA375126582.